The following is an entry in ClinVar:

NM_005751.5(AKAP9):c.10361G>A (p.Arg3454Gln)

Gene: AKAP9 (A-kinase anchoring protein 9; plus strand). Cytogenetic location: 7q21.2.
Variant type: single nucleotide variant.
Coding change: c.10361G>A on transcript NM_005751.5 (MANE Select); coding-DNA position 10361, G replaced by A.
Protein change: p.Arg3454Gln; replaces arginine 3454 with glutamine.
Molecular consequence: missense variant.
Genome position (GRCh38, 1-based): chr7:92,097,320, G>A. VCF-style: chr7-92097320-G-A. GRCh37 (hg19) VCF-style: chr7-91726634-G-A.
Other names: c.5006G>A, p.Arg1669Gln (NM_001379277.1); c.10337G>A, p.Arg3446Gln (NM_147185.3); short protein forms R3454Q, R3446Q, R1669Q.
Identifiers: ClinVar variation 519293 (VCV000519293.20), dbSNP rs377026066, ClinGen allele CA4337931.
Genomic context (GRCh38, chr7:92,097,320, plus strand): 5'-AGCGACTACAAGGAATCATGCAGGAATTCCAGAAGCAAGAACTAGAACGAGAAGAAAAAC[G>A]AGAAAGTAGAAGAATTCTGTATCAGAACCTTAATGAGGTAAACTGACAGTTTCTTTTTAG-3'
Protein context (NP_005742.4, residues 3444-3464): QKQELEREEK[Arg3454Gln]ESRRILYQNL

ClinVar aggregate classification (germline): Conflicting classifications of pathogenicity. Review status: criteria provided, conflicting classifications (1 of 4 stars). 5 submissions from 5 submitters: Uncertain significance (4); Likely benign (1). Last evaluated 2025-09-08.

Conditions:
Long QT syndrome 11 (LQT11). Identifiers: Orphanet 101016, Orphanet 768, MedGen C2678483, MONDO:0012738, OMIM 611820.
Long QT syndrome (LQTS). Identifiers: MedGen C0023976, MeSH D008133, MONDO:0002442. Disease mechanism: loss of function. Inheritance: Various modes of inheritance.
Cardiovascular phenotype. Identifiers: MedGen CN230736.
Long QT syndrome 1 (LQT1). Identifiers: Orphanet 101016, Orphanet 768, MedGen C4551647, MONDO:0100316, OMIM 192500, MONDO:0008646.

Allele frequency attached by ClinVar (database versions not stated): gnomAD exomes 0.00003 and 0.00004; ExAC 0.00004; gnomAD 0.00005; TOPMed 0.00006; ESP Exome Variant Server 0.00023.
gnomAD v4.1: 59 of 1,613,532 alleles (0.0037%); highest among the groups gnomAD compares: Non-Finnish European, 0.0048%; no homozygotes.

Submissions (5):

Labcorp Genetics (formerly Invitae), Labcorp
Classification: Uncertain significance for Long QT syndrome. Last evaluated: 2025-09-08. Review status: criteria provided, single submitter. Criteria: Invitae Variant Classification Sherloc (09022015). Collection method: clinical testing. Allele origin: germline.
Comment: This sequence change replaces arginine, which is basic and polar, with glutamine, which is neutral and polar, at codon 3454 of the AKAP9 protein (p.Arg3454Gln). This variant is present in population databases (rs377026066, gnomAD 0.008%). This missense change has been observed in individual(s) with Brugada syndrome (PMID: 26220970). ClinVar contains an entry for this variant (Variation ID: 519293). An algorithm developed to predict the effect of missense changes on protein structure and function outputs the following: PolyPhen-2: "Benign". The glutamine amino acid residue is found in multiple mammalian species, which suggests that this missense change does not adversely affect protein function. In summary, the available evidence is currently insufficient to determine the role of this variant in disease. Therefore, it has been classified as a Variant of Uncertain Significance.

Ambry Genetics
Classification: Uncertain significance for Cardiovascular phenotype. Last evaluated: 2025-07-12. Review status: criteria provided, single submitter. Criteria: Ambry Variant Classification Scheme 2023. Collection method: clinical testing. Allele origin: germline.
Comment: The p.R3454Q variant (also known as c.10361G>A), located in coding exon 41 of the AKAP9 gene, results from a G to A substitution at nucleotide position 10361. The arginine at codon 3454 is replaced by glutamine, an amino acid with highly similar properties. This amino acid position is not well conserved in available vertebrate species, and glutamine is the reference amino acid in other vertebrate species. In addition, this alteration is predicted to be tolerated by in silico analysis. The evidence for this gene-disease relationship is limited; therefore, the clinical significance of this alteration is unclear.

Blueprint Genetics
Classification: Likely benign. Last evaluated: 2024-11-17. Review status: criteria provided, single submitter. Criteria: ACMG Guidelines, 2015. Collection method: clinical testing. Allele origin: germline.

Fulgent Genetics
Classification: Uncertain significance for Long QT syndrome 11. Last evaluated: 2021-09-29. Review status: criteria provided, single submitter. Criteria: ACMG Guidelines, 2015. Collection method: clinical testing. Allele origin: unknown.

Molecular Diagnostic Laboratory for Inherited Cardiovascular Disease, Montreal Heart Institute
Classification: Uncertain significance for Long QT syndrome 1. Last evaluated: 2020-05-03. Review status: criteria provided, single submitter. Criteria: ACMG Guidelines, 2015. Collection method: clinical testing. Allele origin: germline. Affected: yes.

Literature cited by the submitters: PubMed 26220970 (cited by Labcorp Genetics (formerly Invitae), Labcorp).